The following is an entry in ClinVar:

NM_001148.6(ANK2):c.10554T>C (p.Asn3518=)

Gene: ANK2 (ankyrin 2; plus strand). Cytogenetic location: 4q26.
Variant type: single nucleotide variant.
Coding change: c.10554T>C on transcript NM_001148.6 (MANE Select); coding-DNA position 10554, T replaced by C.
Protein change: p.Asn3518=; no amino-acid change (asparagine 3518 retained).
Molecular consequence: synonymous variant. On other transcripts: intron variant (68).
Genome position (GRCh38, 1-based): chr4:113,359,172, T>C. VCF-style: chr4-113359172-T-C. GRCh37 (hg19) VCF-style: chr4-114280328-T-C.
Other names: c.10320T>C, p.Asn3440= (NM_001386142.1); c.6954T>C, p.Asn2318= (NM_001386166.1); c.10695T>C, p.Asn3565= (NM_001386174.1); c.10671T>C, p.Asn3557= (NM_001386175.1); c.4412-1651T>C (NM_001386186.2, NM_001386148.2); c.4214-1651T>C (NM_001354269.3); c.4292-1651T>C (NM_001386187.2); c.4253-1651T>C (NM_001386147.1); and 35 more.
Identifiers: ClinVar variation 4820519 (VCV004820519.1).

ClinVar aggregate classification (germline): Likely benign (1 of 4 stars; one submission).

gnomAD v4.1: 3 of 1,613,304 alleles (0.00019%); highest among the groups gnomAD compares: Non-Finnish European, 0.00025%; no homozygotes.

Submission:

Molecular Diagnostic Laboratory for Inherited Cardiovascular Disease, Montreal Heart Institute
Classification: Likely benign. Last evaluated: 2026-03-27. Review status: criteria provided, single submitter. Criteria: ACMG Guidelines, 2015. Collection method: clinical testing. Allele origin: germline. Affected: no.
Comment: BP7